The following is an entry in ClinVar:

NM_003332.4(TYROBP):c.*83C>T

Gene: TYROBP (transmembrane immune signaling adaptor TYROBP; minus strand). Cytogenetic location: 19q13.12.
Variant type: single nucleotide variant.
Coding change: c.*83C>T on transcript NM_003332.4 (MANE Select); 83 bases downstream of the stop codon, C replaced by T.
Molecular consequence: 3 prime UTR variant. On other transcripts: non-coding transcript variant (1).
Genome position (GRCh38, 1-based): chr19:35,904,486, G>A on the plus strand (C>T on the coding strand, the complement: TYROBP is on the minus strand). VCF-style: chr19-35904486-G-A. GRCh37 (hg19) VCF-style: chr19-36395388-G-A.
Other names: c.*83C>T (NM_001173514.2, NM_001173515.2, NM_198125.3).
Identifiers: ClinVar variation 328891 (VCV000328891.9), dbSNP rs14715, ClinGen allele CA9392986.
Genomic context (GRCh38, chr19:35,904,486, plus strand): 5'-AGGAGAGTATTGGGGAGCGGTCTGGTCTCTCAGGGATGGCACTCTGTGGGTCTGTATCGC[G>A]GTAGGAGTTGGAATGAGGTGCAGGGTGGGCTTCAGGAATGGCTGGATCCAGGTATCATGT-3'

ClinVar aggregate classification (germline): Benign/Likely benign. Review status: criteria provided, multiple submitters, no conflicts (2 of 4 stars). 3 submissions from 3 submitters: Benign (1); Likely benign (2). Last evaluated 2018-09-23.

Conditions:
Polycystic lipomembranous osteodysplasia with sclerosing leukoencephalopathy 1 (PLOSL1). Also called: TYROBP-Related Polycystic Lipomembranous Osteodysplasia with Sclerosing Leukoencephalopathy; TREM2-Related Polycystic Lipomembranous Osteodysplasia with Sclerosing Leukoencephalopathy. Identifiers: Orphanet 2770, MedGen C4721893, MONDO:0020749, OMIM 221770.

Allele frequency attached by ClinVar (database versions not stated): gnomAD exomes 0.00149 and 0.00310; ExAC 0.00779; gnomAD 0.01005 and 0.01070; TOPMed 0.01107; 1000 Genomes Project 0.01258; 1000 Genomes Project 30x 0.01265.
gnomAD v4.1: 3,444 of 1,392,450 alleles (0.25%); highest among the groups gnomAD compares: African/African-American, 3.4%; 44 homozygotes.

Submissions (3):

GeneDx
Classification: Likely benign. Last evaluated: 2018-09-23. Review status: criteria provided, single submitter. Criteria: GeneDx Variant Classification Process June 2021. Collection method: clinical testing. Allele origin: germline. Affected: yes.

Illumina Laboratory Services, Illumina
Classification: Benign for Polycystic lipomembranous osteodysplasia with sclerosing leukoencephalopathy 1. Last evaluated: 2018-01-13. Review status: criteria provided, single submitter. Criteria: ICSL Variant Classification Criteria 13 December 2019. Collection method: clinical testing. Allele origin: germline.
Comment: This variant was observed in the ICSL laboratory as part of a predisposition screen in an ostensibly healthy population. It had not been previously curated by ICSL or reported in the Human Gene Mutation Database (HGMD: prior to June 1st, 2018), and was therefore a candidate for classification through an automated scoring system. Utilizing variant allele frequency, disease prevalence and penetrance estimates, and inheritance mode, an automated score was calculated to assess if this variant is too frequent to cause the disease. Based on the score and internal cut-off values, a variant classified as benign is not then subjected to further curation. The score for this variant resulted in a classification of benign for this disease.

Breakthrough Genomics
Classification: Likely benign. Review status: criteria provided, single submitter. Criteria: ACMG Guidelines, 2015. Collection method: not provided. Allele origin: germline. Inheritance: Autosomal recessive inheritance. Affected: yes.